The following is an entry in ClinVar:

NM_018297.4(NGLY1):c.1300C>T (p.Leu434Phe)

Gene: NGLY1 (N-glycanase 1; minus strand). Cytogenetic location: 3p24.2.
Variant type: single nucleotide variant.
Coding change: c.1300C>T on transcript NM_018297.4 (MANE Select); coding-DNA position 1300, C replaced by T.
Protein change: p.Leu434Phe; replaces leucine 434 with phenylalanine.
Molecular consequence: missense variant.
Genome position (GRCh38, 1-based): chr3:25,732,444, G>A on the plus strand (C>T on the coding strand, the complement: NGLY1 is on the minus strand). VCF-style: chr3-25732444-G-A. GRCh37 (hg19) VCF-style: chr3-25773935-G-A.
Other names: c.1246C>T, p.Leu416Phe (NM_001145293.2); c.1174C>T, p.Leu392Phe (NM_001145294.2); c.1300C>T, p.Leu434Phe (NM_001145295.2); short protein forms L392F, L434F, L416F.
Identifiers: ClinVar variation 1447040 (VCV001447040.5), dbSNP rs761035118, ClinGen allele CA2289191.

ClinVar aggregate classification (germline): Uncertain significance (1 of 4 stars; one submission).

Conditions:
Congenital disorder of deglycosylation (CDDG). Identifiers: MedGen C3808991, MONDO:0031376.

gnomAD v4.1: 38 of 1,613,458 alleles (0.0024%); highest among the groups gnomAD compares: Non-Finnish European, 0.0032%; no homozygotes.

Submission:

Labcorp Genetics (formerly Invitae), Labcorp
Classification: Uncertain significance for Congenital disorder of deglycosylation. Last evaluated: 2022-03-03. Review status: criteria provided, single submitter. Criteria: Invitae Variant Classification Sherloc (09022015). Collection method: clinical testing. Allele origin: germline.
Comment: This sequence change replaces leucine, which is neutral and non-polar, with phenylalanine, which is neutral and non-polar, at codon 434 of the NGLY1 protein (p.Leu434Phe). This variant is present in population databases (rs761035118, gnomAD 0.0009%). This variant has not been reported in the literature in individuals affected with NGLY1-related conditions. Algorithms developed to predict the effect of missense changes on protein structure and function are either unavailable or do not agree on the potential impact of this missense change (SIFT: "Tolerated"; PolyPhen-2: "Possibly Damaging"; Align-GVGD: "Class C0"). In summary, the available evidence is currently insufficient to determine the role of this variant in disease. Therefore, it has been classified as a Variant of Uncertain Significance.